The following is an entry in ClinVar:

ClinVar aggregate classification (germline): Uncertain significance. Review status: criteria provided, single submitter (1 of 4 stars). 4 submissions from 4 submitters: Uncertain significance (1). 3 of the submissions do not count toward it. Last evaluated 2026-01-26.

Conditions:
Optic atrophy. Identifiers: MedGen C0029124, MONDO:0003608, HP:0000648.

Allele frequency attached by ClinVar (database versions not stated): ExAC 0.00040; TOPMed 0.00042; gnomAD exomes 0.00045 and 0.00079; gnomAD 0.00056 and 0.00058; ESP Exome Variant Server 0.00077.

Submissions (4):

Labcorp Genetics (formerly Invitae), Labcorp
Classification: Uncertain significance. Last evaluated: 2026-01-26. Review status: criteria provided, single submitter. Criteria: Invitae Variant Classification Sherloc (09022015). Collection method: clinical testing. Allele origin: germline.
Comment: This sequence change replaces arginine, which is basic and polar, with histidine, which is basic and polar, at codon 330 of the ADGRA3 protein (p.Arg330His). This variant is present in population databases (rs150340074, gnomAD 0.09%), and has an allele count higher than expected for a pathogenic variant. This variant has not been reported in the literature in individuals affected with ADGRA3-related conditions. ClinVar contains an entry for this variant (Variation ID: 860967). An algorithm developed to predict the effect of missense changes on protein structure and function (PolyPhen-2) suggests that this variant is likely to be disruptive. In summary, the available evidence is currently insufficient to determine the role of this variant in disease. Therefore, it has been classified as a Variant of Uncertain Significance.

Institute of Human Genetics, Univ. Regensburg, Univ. Regensburg
Classification: Uncertain significance for Optic atrophy. Last evaluated: 2023-01-01. Review status: no assertion criteria provided. Criteria: ACMG Guidelines, 2015. Collection method: clinical testing. Allele origin: germline. Affected: yes. Not counted in ClinVar's aggregate classification.

Clinical Genetics DNA and cytogenetics Diagnostics Lab, Erasmus MC, Erasmus Medical Center
Classification: Uncertain significance. Review status: no assertion criteria provided. Collection method: clinical testing. Allele origin: germline. Affected: yes. Study: VKGL Data-share Consensus. Not counted in ClinVar's aggregate classification.

Clinical Genetics, Academic Medical Center
Classification: Uncertain significance. Review status: no assertion criteria provided. Collection method: clinical testing. Allele origin: germline. Affected: yes. Study: VKGL Data-share Consensus. Not counted in ClinVar's aggregate classification.

NM_145290.4(ADGRA3):c.989G>A (p.Arg330His)

Gene: ADGRA3 (adhesion G protein-coupled receptor A3; minus strand). Cytogenetic location: 4p15.2.
Variant type: single nucleotide variant.
Coding change: c.989G>A on transcript NM_145290.4 (MANE Select); coding-DNA position 989, G replaced by A.
Protein change: p.Arg330His; replaces arginine 330 with histidine.
Molecular consequence: missense variant.
Genome position (GRCh38, 1-based): chr4:22,438,352, C>T on the plus strand (G>A on the coding strand, the complement: ADGRA3 is on the minus strand). VCF-style: chr4-22438352-C-T. GRCh37 (hg19) VCF-style: chr4-22439975-C-T.
Other names: short protein forms R330H.
Identifiers: ClinVar variation 860967 (VCV000860967.11), dbSNP rs150340074, ClinGen allele CA2874081.
Genomic context (GRCh38, chr4:22,438,352, plus strand): 5'-GGACAGTACTGTGCAGAACTCTCTAATACCACAATATCCACAGTCCTCGTATTATTCCCA[C>T]GTTTGGTCTGGACATGACAGCCCCAATTTCCAGTAGATCCAGCCTGAATATTAGAAATGG-3'
Protein context (NP_660333.2, residues 320-340): GNWGCHVQTK[Arg330His]GNNTRTVDIV